The following is an entry in ClinVar:

ClinVar aggregate classification (germline): Uncertain significance. Review status: criteria provided, multiple submitters, no conflicts (2 of 4 stars). 2 submissions from 2 submitters: Uncertain significance (2). Last evaluated 2025-09-02.

Conditions:
Inborn genetic diseases. Identifiers: MedGen C0950123, MeSH D030342.

gnomAD v4.1: 6 of 1,613,892 alleles (0.00037%); highest among the groups gnomAD compares: Non-Finnish European, 0.00051%; no homozygotes.

Submissions (2):

Labcorp Genetics (formerly Invitae), Labcorp
Classification: Uncertain significance. Last evaluated: 2025-09-02. Review status: criteria provided, single submitter. Criteria: Invitae Variant Classification Sherloc (09022015). Collection method: clinical testing. Allele origin: germline.
Comment: This sequence change replaces serine, which is neutral and polar, with leucine, which is neutral and non-polar, at codon 941 of the IMPG2 protein (p.Ser941Leu). This variant is not present in population databases (gnomAD no frequency). This variant has not been reported in the literature in individuals affected with IMPG2-related conditions. ClinVar contains an entry for this variant (Variation ID: 1420128). Invitae Evidence Modeling of protein sequence and biophysical properties (such as structural, functional, and spatial information, amino acid conservation, physicochemical variation, residue mobility, and thermodynamic stability) indicates that this missense variant is expected to disrupt IMPG2 protein function with a positive predictive value of 80%. In summary, the available evidence is currently insufficient to determine the role of this variant in disease. Therefore, it has been classified as a Variant of Uncertain Significance.

Ambry Genetics
Classification: Uncertain significance for Inborn genetic diseases. Last evaluated: 2022-05-10. Review status: criteria provided, single submitter. Criteria: Ambry Variant Classification Scheme 2023. Collection method: clinical testing. Allele origin: germline.

NM_016247.4(IMPG2):c.2822C>T (p.Ser941Leu)

Gene: IMPG2 (interphotoreceptor matrix proteoglycan 2; minus strand). Cytogenetic location: 3q12.3.
Variant type: single nucleotide variant.
Coding change: c.2822C>T on transcript NM_016247.4 (MANE Select); coding-DNA position 2822, C replaced by T.
Protein change: p.Ser941Leu; replaces serine 941 with leucine.
Molecular consequence: missense variant.
Genome position (GRCh38, 1-based): chr3:101,242,888, G>A on the plus strand (C>T on the coding strand, the complement: IMPG2 is on the minus strand). VCF-style: chr3-101242888-G-A. GRCh37 (hg19) VCF-style: chr3-100961732-G-A.
Other names: c.2822C>T (NM_016247.3); short protein forms S941L.
Identifiers: ClinVar variation 1420128 (VCV001420128.7), dbSNP rs2107218279, ClinGen allele CA353854167.